The following is an entry in ClinVar:

NM_013436.5(NCKAP1):c.1209-6A>G

Gene: NCKAP1 (NCK associated protein 1; minus strand). Cytogenetic location: 2q32.1.
Variant type: single nucleotide variant.
Coding change: c.1209-6A>G on transcript NM_013436.5 (MANE Select); 6 bases into the intron before coding-DNA position 1209, A replaced by G.
Molecular consequence: intron variant.
Genome position (GRCh38, 1-based): chr2:182,981,382, T>C on the plus strand (A>G on the coding strand, the complement: NCKAP1 is on the minus strand). VCF-style: chr2-182981382-T-C. GRCh37 (hg19) VCF-style: chr2-183846110-T-C.
Other names: c.1203-6A>G (NM_001437266.1); c.1221-6A>G (NM_001437267.1); c.1227-6A>G (NM_205842.3).
Identifiers: ClinVar variation 4536327 (VCV004536327.1).
Genomic context (GRCh38, chr2:182,981,382, plus strand): 5'-TTTCCTCACATGTGCTCTAAGTTCTTCCATGTAAAATATTAATTCAGCAATGTGCCTTTT[T>C]TAAAATTTCAAGAAAAATATTCAAATAATAAATTCATCATTATTAAAGAATATATTCGAT-3'

ClinVar aggregate classification (germline): Uncertain significance (1 of 4 stars; one submission).

Submission:

GeneDx
Classification: Uncertain significance. Last evaluated: 2025-06-06. Review status: criteria provided, single submitter. Criteria: GeneDx Variant Classification Process June 2021. Collection method: clinical testing. Allele origin: germline. Affected: yes.
Comment: Not observed at significant frequency in large population cohorts (gnomAD); In silico analysis supports a deleterious effect on splicing; Has not been previously published as pathogenic or benign to our knowledge